The following is an entry in ClinVar:

NM_001112808.3(FPGT-TNNI3K):c.2799G>A (p.Glu933=)

Genes: FPGT-TNNI3K (FPGT-TNNI3K readthrough; plus strand), TNNI3K (TNNI3 interacting kinase; plus strand). Cytogenetic location: 1p31.1.
Variant type: single nucleotide variant.
Coding change: c.2799G>A on transcript NM_001112808.3; coding-DNA position 2799, G replaced by A.
Protein change: p.Glu933=; no amino-acid change (glutamic acid 933 retained).
Molecular consequence: synonymous variant.
Genome position (GRCh38, 1-based): chr1:74,543,970, G>A. VCF-style: chr1-74543970-G-A. GRCh37 (hg19) VCF-style: chr1-75009654-G-A.
Other names: c.2496G>A, p.Glu832= (NM_015978.3).
Identifiers: ClinVar variation 3050439 (VCV003050439.2), dbSNP rs45606732, ClinGen allele CA909925.

ClinVar aggregate classification (germline): Likely benign (0 of 4 stars; one submission).

Conditions:
FPGT-TNNI3K-related disorder. Also called: FPGT-TNNI3K-related condition.

Allele frequency attached by ClinVar (database versions not stated): gnomAD exomes 0.00003; ExAC 0.00008; gnomAD 0.00017; TOPMed 0.00023; ESP Exome Variant Server 0.00031; 1000 Genomes Project 0.00080; 1000 Genomes Project 30x 0.00094.
gnomAD v4.1: 77 of 1,612,952 alleles (0.0048%); highest among the groups gnomAD compares: African/African-American, 0.083%; no homozygotes.

Submission:

PreventionGenetics, part of Exact Sciences
Classification: Likely benign for FPGT-TNNI3K-related condition. Last evaluated: 2019-07-16. Review status: no assertion criteria provided. Collection method: clinical testing. Allele origin: germline.
Comment: This variant is classified as likely benign based on ACMG/AMP sequence variant interpretation guidelines (Richards et al. 2015 PMID: 25741868, with internal and published modifications).